The following is an entry in ClinVar:

ClinVar aggregate classification (germline): Benign/Likely benign. Review status: criteria provided, multiple submitters, no conflicts (2 of 4 stars). 3 submissions from 3 submitters: Benign (2); Likely benign (1). Last evaluated 2026-02-01.

Conditions:
TAOK2-related disorder. Also called: TAOK2-related condition.

Allele frequency attached by ClinVar (database versions not stated): 1000 Genomes Project 30x 0.00078; 1000 Genomes Project 0.00080; TOPMed 0.00243; gnomAD 0.00289 and 0.00305; ESP Exome Variant Server 0.00339; gnomAD exomes 0.00344 and 0.00346; ExAC 0.00410.
gnomAD v4.1: 5,441 of 1,612,630 alleles (0.34%); highest among the groups gnomAD compares: Non-Finnish European, 0.4%; 22 homozygotes.

Submissions (3):

Labcorp Genetics (formerly Invitae), Labcorp
Classification: Benign. Last evaluated: 2026-02-01. Review status: criteria provided, single submitter. Criteria: Invitae Variant Classification Sherloc (09022015). Collection method: clinical testing. Allele origin: germline.

PreventionGenetics, part of Exact Sciences
Classification: Likely benign for TAOK2-related condition. Last evaluated: 2025-01-23. Review status: criteria provided, single submitter. Criteria: ACMG Guidelines, 2015. Collection method: clinical testing. Allele origin: germline.
Comment: This variant is classified as likely benign based on ACMG/AMP sequence variant interpretation guidelines (Richards et al. 2015 PMID: 25741868, with internal and published modifications).

Breakthrough Genomics
Classification: Benign. Review status: criteria provided, single submitter. Criteria: ACMG Guidelines, 2015. Collection method: not provided. Allele origin: germline. Inheritance: Unknown mechanism. Affected: yes.

NM_016151.4(TAOK2):c.3327G>A (p.Arg1109=)

Gene: TAOK2 (TAO kinase 2; plus strand). Cytogenetic location: 16p11.2.
Variant type: single nucleotide variant.
Coding change: c.3327G>A on transcript NM_016151.4 (MANE Select); coding-DNA position 3327, G replaced by A.
Protein change: p.Arg1109=; no amino-acid change (arginine 1109 retained).
Molecular consequence: synonymous variant. On other transcripts: intron variant (1).
Genome position (GRCh38, 1-based): chr16:29,987,599, G>A. VCF-style: chr16-29987599-G-A. GRCh37 (hg19) VCF-style: chr16-29998920-G-A.
Other names: c.2988G>A, p.Arg996= (NM_001252043.2); c.2232+1095G>A (NM_004783.4).
Identifiers: ClinVar variation 724915 (VCV000724915.13), dbSNP rs61738516, ClinGen allele CA7998546.